The following is an entry in ClinVar:

ClinVar aggregate classification (germline): Uncertain significance (1 of 4 stars; one submission).

Conditions:
Hereditary cancer-predisposing syndrome. Also called: Neoplastic Syndromes, Hereditary; Tumor predisposition; Hereditary Cancer Syndrome; Hereditary neoplastic syndrome. Identifiers: Orphanet 140162, MedGen C0027672, MeSH D009386, MONDO:0015356.

Submission:

Ambry Genetics
Classification: Uncertain significance for Hereditary cancer-predisposing syndrome. Last evaluated: 2026-03-24. Review status: criteria provided, single submitter. Criteria: Ambry Variant Classification Scheme 2023. Collection method: clinical testing. Allele origin: germline.
Comment: The p.S401I variant (also known as c.1202G>T), located in coding exon 6 of the RET gene, results from a G to T substitution at nucleotide position 1202. The serine at codon 401 is replaced by isoleucine, an amino acid with dissimilar properties. This amino acid position is conserved. In addition, this alteration is predicted to be tolerated by in silico analysis. Based on the available evidence, the clinical significance of this variant remains unclear.

NM_020975.6(RET):c.1202G>T (p.Ser401Ile)

Gene: RET (ret proto-oncogene; plus strand). Cytogenetic location: 10q11.21.
Variant type: single nucleotide variant.
Coding change: c.1202G>T on transcript NM_020975.6 (MANE Select); coding-DNA position 1202, G replaced by T.
Protein change: p.Ser401Ile; replaces serine 401 with isoleucine.
Molecular consequence: missense variant. On other transcripts: intron variant (18).
Genome position (GRCh38, 1-based): chr10:43,109,169, G>T. VCF-style: chr10-43109169-G-T. GRCh37 (hg19) VCF-style: chr10-43604617-G-T.
Other names: c.440G>T, p.Ser147Ile (NM_001355216.2); c.1202G>T, p.Ser401Ile (NM_001406743.1, NM_001406744.1, NM_001406759.1 and 4 more transcripts); c.1073G>T, p.Ser358Ile (NM_001406761.1, NM_001406762.1, NM_001406764.1 and 1 more transcripts); c.914G>T, p.Ser305Ile (NM_001406766.1, NM_001406767.1, NM_001406770.1); c.764G>T, p.Ser255Ile (NM_001406771.1, NM_001406773.1); c.476G>T, p.Ser159Ile (NM_001406775.1, NM_001406776.1, NM_001406777.1 and 1 more transcripts); c.212G>T, p.Ser71Ile (NM_001406784.1); c.868-2038G>T (NM_001406772.1, NM_001406769.1); and 5 more; short protein forms S147I, S159I, S255I, S305I, S358I, S401I, S71I.
Identifiers: ClinVar variation 4863249 (VCV004863249.1).
Genomic context (GRCh38, chr10:43,109,169, plus strand): 5'-TCCAGGGCCCAGGAGCGGGCGTCCTCTTGCTCCACTTCAACGTGTCGGTGCTGCCGGTCA[G>T]CCTGCACCTGCCCAGTACCTACTCCCTCTCCGTGAGCAGGAGGGCTCGCCGATTTGCCCA-3'
Protein context (NP_066124.1, residues 391-411): LHFNVSVLPV[Ser401Ile]LHLPSTYSLS